The following is an entry in ClinVar:

ClinVar aggregate classification (germline): Likely pathogenic (1 of 4 stars; one submission).

Submission:

GeneDx
Classification: Likely pathogenic. Last evaluated: 2021-05-11. Review status: criteria provided, single submitter. Criteria: GeneDx Variant Classification Process June 2021. Collection method: clinical testing. Allele origin: germline. Affected: yes.
Comment: Frameshift variant predicted to result in protein truncation or nonsense mediated decay in a gene for which loss-of-function is a known mechanism of disease; Not observed in large population cohorts (Lek et al., 2016); Has not been previously published as pathogenic or benign to our knowledge

NM_000540.3(RYR1):c.12495_12496insT (p.Ala4166fs)

Gene: RYR1 (ryanodine receptor 1; plus strand). Cytogenetic location: 19q13.2.
Variant type: Insertion.
Coding change: c.12495_12496insT on transcript NM_000540.3 (MANE Select); coding-DNA positions 12495 to 12496, T inserted.
Protein change: p.Ala4166fs; shifts the reading frame from alanine 4166.
Molecular consequence: frameshift variant.
Genome position: GRCh38 VCF-style: chr19-38561325-G-GT. GRCh37 (hg19) VCF-style: chr19-39051965-G-GT.
Other names: c.12480_12481insT, p.Ala4161fs (NM_001042723.2); short protein forms A4161fs, A4166fs.
Identifiers: ClinVar variation 817777 (VCV000817777.3), dbSNP rs1599625856, ClinGen allele CA915953151.